The following is an entry in ClinVar:

NM_182961.4(SYNE1):c.5965G>C (p.Glu1989Gln)

Gene: SYNE1 (spectrin repeat containing nuclear envelope protein 1; minus strand). Cytogenetic location: 6q25.2.
Variant type: single nucleotide variant.
Coding change: c.5965G>C on transcript NM_182961.4 (MANE Select); coding-DNA position 5965, G replaced by C.
Protein change: p.Glu1989Gln; replaces glutamic acid 1989 with glutamine.
Molecular consequence: missense variant.
Genome position (GRCh38, 1-based): chr6:152,416,472, C>G on the plus strand (G>C on the coding strand, the complement: SYNE1 is on the minus strand). VCF-style: chr6-152416472-C-G. GRCh37 (hg19) VCF-style: chr6-152737607-C-G.
Other names: c.5986G>C, p.Glu1996Gln (NM_033071.5); short protein forms E1989Q, E1996Q.
Identifiers: ClinVar variation 1422160 (VCV001422160.28), dbSNP rs2098157118, ClinGen allele CA366131555.
Genomic context (GRCh38, chr6:152,416,472, plus strand): 5'-GTTCTTTCAATCGCTCTTTGTCAGTCCTTTCTTCAATGTCCTCAATGCTTTTCAGAAGCT[C>G]CTCTTTCTGGTCTTGGAATGCTTTTTTCAACACTGCCAGAGCATCTGCCTCACTCTGCTT-3'
Protein context (NP_892006.3, residues 1979-1999): LKKAFQDQKE[Glu1989Gln]LLKSIEDIEE

ClinVar aggregate classification (germline): Uncertain significance. Review status: criteria provided, multiple submitters, no conflicts (2 of 4 stars). 2 submissions from 2 submitters: Uncertain significance (2). Last evaluated 2023-06-01.

Conditions:
Autosomal recessive ataxia, Beauce type. Also called: SYNE1-Related Autosomal Recessive Cerebellar Ataxia; ATAXIA, RECESSIVE, OF BEAUCE; Spinocerebellar ataxia, autosomal recessive 8; SYNE1 Deficiency. Identifiers: Orphanet 88644, MedGen C1853116, MONDO:0012549, OMIM 610743.
Emery-Dreifuss muscular dystrophy 4, autosomal dominant (EDMD4). Also called: EMERY-DREIFUSS MUSCULAR DYSTROPHY 4 WITH VARIABLE FEATURES. Identifiers: Orphanet 261, MedGen C2751807, MONDO:0013071, OMIM 612998.

Allele frequency attached by ClinVar (database versions not stated): gnomAD exomes below 0.00001; gnomAD 0.00001.
gnomAD v4.1: 6 of 1,613,990 alleles (0.00037%); highest among the groups gnomAD compares: South Asian, 0.0066%; no homozygotes.

Submissions (2):

CeGaT Center for Human Genetics Tuebingen
Classification: Uncertain significance. Last evaluated: 2023-06-01. Review status: criteria provided, single submitter. Criteria: CeGaT Center For Human Genetics Tuebingen Variant Classification Criteria Version 2. Collection method: clinical testing. Allele origin: germline. Affected: yes. Observed: 1 variant allele.
Comment: SYNE1: PM2, BP4

Labcorp Genetics (formerly Invitae), Labcorp
Classification: Uncertain significance for Emery-Dreifuss muscular dystrophy 4, autosomal dominant; Autosomal recessive ataxia, Beauce type. Last evaluated: 2021-11-22. Review status: criteria provided, single submitter. Criteria: Invitae Variant Classification Sherloc (09022015). Collection method: clinical testing. Allele origin: germline.
Comment: This sequence change replaces glutamic acid, which is acidic and polar, with glutamine, which is neutral and polar, at codon 1996 of the SYNE1 protein (p.Glu1996Gln). This variant is not present in population databases (gnomAD no frequency). This variant has not been reported in the literature in individuals affected with SYNE1-related conditions. Algorithms developed to predict the effect of missense changes on protein structure and function are either unavailable or do not agree on the potential impact of this missense change (SIFT: "Deleterious"; PolyPhen-2: "Benign"; Align-GVGD: "Class C0"). In summary, the available evidence is currently insufficient to determine the role of this variant in disease. Therefore, it has been classified as a Variant of Uncertain Significance.